The following is an entry in ClinVar:

ClinVar aggregate classification (germline): Uncertain significance (1 of 4 stars; one submission).

Conditions:
Autosomal recessive severe congenital neutropenia due to CSF3R deficiency. Also called: Neutropenia, severe congenital, 7, autosomal recessive. Identifiers: Orphanet 420702, MedGen C4310764, MONDO:0014865, OMIM 617014.

Submission:

Labcorp Genetics (formerly Invitae), Labcorp
Classification: Uncertain significance for Autosomal recessive severe congenital neutropenia due to CSF3R deficiency. Last evaluated: 2024-07-10. Review status: criteria provided, single submitter. Criteria: Invitae Variant Classification Sherloc (09022015). Collection method: clinical testing. Allele origin: germline.
Comment: This sequence change replaces glycine, which is neutral and non-polar, with aspartic acid, which is acidic and polar, at codon 539 of the CSF3R protein (p.Gly539Asp). The frequency data for this variant in the population databases is considered unreliable, as metrics indicate poor data quality at this position in the gnomAD database. This variant has not been reported in the literature in individuals affected with CSF3R-related conditions. Advanced modeling of protein sequence and biophysical properties (such as structural, functional, and spatial information, amino acid conservation, physicochemical variation, residue mobility, and thermodynamic stability) has been performed at Invitae for this missense variant, however the output from this modeling did not meet the statistical confidence thresholds required to predict the impact of this variant on CSF3R protein function. In summary, the available evidence is currently insufficient to determine the role of this variant in disease. Therefore, it has been classified as a Variant of Uncertain Significance.

NM_000760.4(CSF3R):c.1616G>A (p.Gly539Asp)

Gene: CSF3R (colony stimulating factor 3 receptor; minus strand). Cytogenetic location: 1p34.3.
Variant type: single nucleotide variant.
Coding change: c.1616G>A on transcript NM_000760.4 (MANE Select); coding-DNA position 1616, G replaced by A.
Protein change: p.Gly539Asp; replaces glycine 539 with aspartic acid.
Molecular consequence: missense variant.
Genome position (GRCh38, 1-based): chr1:36,468,182, C>T on the plus strand (G>A on the coding strand, the complement: CSF3R is on the minus strand). VCF-style: chr1-36468182-C-T. GRCh37 (hg19) VCF-style: chr1-36933783-C-T.
Other names: c.1616G>A, p.Gly539Asp (NM_156039.3, NM_172313.3); short protein forms G539D.
Identifiers: ClinVar variation 3611056 (VCV003611056.2).